The following is an entry in ClinVar:

NM_002860.4(ALDH18A1):c.809-1G>A

Gene: ALDH18A1 (aldehyde dehydrogenase 18 family member A1; minus strand). Cytogenetic location: 10q24.1.
Variant type: single nucleotide variant.
Coding change: c.809-1G>A on transcript NM_002860.4 (MANE Select); the canonical splice acceptor site of the intron before coding-DNA position 809, G replaced by A.
Molecular consequence: splice acceptor variant.
Genome position (GRCh38, 1-based): chr10:95,628,493, C>T on the plus strand (G>A on the coding strand, the complement: ALDH18A1 is on the minus strand). VCF-style: chr10-95628493-C-T. GRCh37 (hg19) VCF-style: chr10-97388250-C-T.
Other names: c.173-1G>A (NM_001323419.2); c.476-1G>A (NM_001323412.2, NM_001323416.2); c.704-1G>A (NM_001323417.2); c.803-1G>A (NM_001017423.2, NM_001323415.2); c.470-1G>A (NM_001323418.2); c.809-1G>A (NM_001323413.2, NM_001323414.2).
Identifiers: ClinVar variation 1209475 (VCV001209475.6), dbSNP rs1202802893, ClinGen allele CA377704293.

ClinVar aggregate classification (germline): Likely pathogenic. Review status: criteria provided, multiple submitters, no conflicts (2 of 4 stars). 2 submissions from 2 submitters: Likely pathogenic (2). Last evaluated 2026-01-26.

Conditions:
Cutis laxa, autosomal dominant 3 (ADCL3). Identifiers: Orphanet 90348, MedGen C4225268, MONDO:0014706, OMIM 616603.
Autosomal dominant spastic paraplegia type 9. Identifiers: MedGen C1832669, MONDO:0015091.
de Barsy syndrome. Also called: Cutis laxa-corneal clouding-oligophrenia syndrome. Identifiers: Orphanet 2962, MedGen C0268354, MONDO:0017569.

Allele frequency attached by ClinVar (database versions not stated): TOPMed below 0.00001.
gnomAD v4.1: 3 of 1,612,710 alleles (0.00019%); highest among the groups gnomAD compares: Non-Finnish European, 0.00025%; no homozygotes.

Submissions (2):

Labcorp Genetics (formerly Invitae), Labcorp
Classification: Likely pathogenic for Autosomal dominant spastic paraplegia type 9; de Barsy syndrome; Cutis laxa, autosomal dominant 3. Last evaluated: 2026-01-26. Review status: criteria provided, single submitter. Criteria: Invitae Variant Classification Sherloc (09022015). Collection method: clinical testing. Allele origin: germline.
Comment: This sequence change affects an acceptor splice site in intron 7 of the ALDH18A1 gene. It is expected to disrupt RNA splicing. Variants that disrupt the donor or acceptor splice site typically lead to a loss of protein function (PMID: 16199547), and loss-of-function variants in ALDH18A1 are known to be pathogenic (PMID: 21739576, 24913064, 28567303, 28604674, 29915212). This variant is not present in population databases (gnomAD no frequency). This variant has not been reported in the literature in individuals affected with ALDH18A1-related conditions. ClinVar contains an entry for this variant (Variation ID: 1209475). Algorithms developed to predict the effect of sequence changes on RNA splicing suggest that this variant may disrupt the consensus splice site. In summary, the currently available evidence indicates that the variant is pathogenic, but additional data are needed to prove that conclusively. Therefore, this variant has been classified as Likely Pathogenic.

GeneDx
Classification: Likely pathogenic. Last evaluated: 2021-04-12. Review status: criteria provided, single submitter. Criteria: GeneDx Variant Classification Process June 2021. Collection method: clinical testing. Allele origin: germline. Affected: yes.
Comment: Canonical splice site variant predicted to result in a null allele in a gene for which loss-of-function is a known mechanism of disease; Not observed in large population cohorts (Lek et al., 2016); Has not been previously published as pathogenic or benign to our knowledge

Literature cited by the submitters: PubMed 16199547 (cited by Labcorp Genetics (formerly Invitae), Labcorp); PubMed 21739576 (cited by Labcorp Genetics (formerly Invitae), Labcorp); PubMed 24913064 (cited by Labcorp Genetics (formerly Invitae), Labcorp); PubMed 28567303 (cited by Labcorp Genetics (formerly Invitae), Labcorp); PubMed 28604674 (cited by Labcorp Genetics (formerly Invitae), Labcorp); PubMed 29915212 (cited by Labcorp Genetics (formerly Invitae), Labcorp).